The following is an entry in ClinVar:

ClinVar aggregate classification (germline): Uncertain significance. Review status: criteria provided, multiple submitters, no conflicts (2 of 4 stars). 3 submissions from 3 submitters: Uncertain significance (3). Last evaluated 2024-12-18.

Conditions:
Congenital myotonia, autosomal dominant form (THD). Also called: THOMSEN DISEASE; Myotonia congenita autosomal dominant. Identifiers: Orphanet 614, MedGen C2936781, MONDO:0008055, OMIM 160800.
Congenital myotonia, autosomal recessive form. Also called: Becker Generalized Myotonia; myotonia congenita, autosomal recessive; BECKER DISEASE. Identifiers: Orphanet 614, MedGen C0751360, MONDO:0009715, OMIM 255700.

Allele frequency attached by ClinVar (database versions not stated): gnomAD 0.00001; TOPMed 0.00001.

Submissions (3):

Labcorp Genetics (formerly Invitae), Labcorp
Classification: Uncertain significance for Congenital myotonia, autosomal recessive form; Congenital myotonia, autosomal dominant form. Last evaluated: 2024-12-18. Review status: criteria provided, single submitter. Criteria: Invitae Variant Classification Sherloc (09022015). Collection method: clinical testing. Allele origin: germline.
Comment: This sequence change replaces alanine, which is neutral and non-polar, with valine, which is neutral and non-polar, at codon 659 of the CLCN1 protein (p.Ala659Val). This variant is not present in population databases (gnomAD no frequency). This missense change has been observed in individual(s) with autosomal recessive myotonia congenita (PMID: 10619717). ClinVar contains an entry for this variant (Variation ID: 1054004). Invitae Evidence Modeling of protein sequence and biophysical properties (such as structural, functional, and spatial information, amino acid conservation, physicochemical variation, residue mobility, and thermodynamic stability) has been performed for this missense variant. However, the output from this modeling did not meet the statistical confidence thresholds required to predict the impact of this variant on CLCN1 protein function. In summary, the available evidence is currently insufficient to determine the role of this variant in disease. Therefore, it has been classified as a Variant of Uncertain Significance.

Women's Health and Genetics/Laboratory Corporation of America, LabCorp
Classification: Uncertain significance. Last evaluated: 2023-07-21. Review status: criteria provided, single submitter. Criteria: LabCorp Variant Classification Summary - May 2015. Collection method: clinical testing. Allele origin: germline.
Comment: Variant summary: CLCN1 c.1976C>T (p.Ala659Val) results in a non-conservative amino acid change in the encoded protein sequence. Three of five in-silico tools predict a benign effect of the variant on protein function. The variant was absent in 154960 control chromosomes (gnomAD). c.1976C>T has been reported in the literature in at least one homozygous individual affected with Becker's Myotonia congenita (Sasaki_1999). These data indicate that the variant may be associated with disease. To our knowledge, no experimental evidence demonstrating an impact on protein function has been reported. The following publication has been ascertained in the context of this evaluation (PMID: 10619717). Two ClinVar submitters have assessed this variant since 2014, and all submitters classified the variant as uncertain significance. Based on the evidence outlined above, the variant was classified as VUS-possibly pathogenic.

GeneDx
Classification: Uncertain significance. Last evaluated: 2020-10-16. Review status: criteria provided, single submitter. Criteria: GeneDx Variant Classification Process June 2021. Collection method: clinical testing. Allele origin: germline. Affected: yes.
Comment: Not observed in large population cohorts (Lek et al., 2016); In silico analysis supports that this missense variant has a deleterious effect on protein structure/function; This variant is associated with the following publications: (PMID: 10619717)

Literature cited by the submitters: PubMed 10619717 (cited by Labcorp Genetics (formerly Invitae), Labcorp and Women's Health and Genetics/Laboratory Corporation of America, LabCorp).

NM_000083.3(CLCN1):c.1976C>T (p.Ala659Val)

Genes: CLCN1 (chloride voltage-gated channel 1; plus strand), LOC123956257 (Sharpr-MPRA regulatory region 4117; plus strand). Cytogenetic location: 7q34.
Variant type: single nucleotide variant.
Coding change: c.1976C>T on transcript NM_000083.3 (MANE Select); coding-DNA position 1976, C replaced by T.
Protein change: p.Ala659Val; replaces alanine 659 with valine.
Molecular consequence: missense variant. On other transcripts: non-coding transcript variant (1).
Genome position (GRCh38, 1-based): chr7:143,345,566, C>T. VCF-style: chr7-143345566-C-T. GRCh37 (hg19) VCF-style: chr7-143042659-C-T.
Other names: short protein forms A659V.
Identifiers: ClinVar variation 1054004 (VCV001054004.9), dbSNP rs1336908700, ClinGen allele CA369649597.